The following is an entry in ClinVar:

ClinVar aggregate classification (germline): Pathogenic/Likely pathogenic. Review status: criteria provided, multiple submitters, no conflicts (2 of 4 stars). 2 submissions from 2 submitters: Pathogenic (1); Likely pathogenic (1). Last evaluated 2025-03-03.

Conditions:
Nemaline myopathy 2 (NEM2). Also called: Nemaline myopathy 2, autosomal recessive. Identifiers: MedGen C1850569, MONDO:0009725, OMIM 256030.
Nemaline myopathy. Also called: Myopathies, Nemaline. Identifiers: Orphanet 607, MedGen C0206157, MONDO:0018958.

gnomAD v4.1: 1 of 1,611,166 alleles (0.000062%); highest among the groups gnomAD compares: Non-Finnish European, 0.000085%; no homozygotes.

Submissions (2):

Broad Center for Mendelian Genomics, Broad Institute of MIT and Harvard
Classification: Likely pathogenic for Nemaline myopathy. Last evaluated: 2025-03-03. Review status: criteria provided, single submitter. Criteria: ACMG Guidelines, 2015. Collection method: curation. Allele origin: germline. Inheritance: Autosomal recessive inheritance.
Comment: The p.Gln7782Ter variant in NEB has not been previously reported in the literature in individuals with nemaline myopathy, but has been identified in 0.00009% (1/1177444) of European (non-Finnish) chromosomes by the Genome Aggregation Database (gnomAD; dbSNP ID: rs2153272667). Although this variant has been seen in the general population in a heterozygous state, its frequency is low enough to be consistent with a recessive carrier frequency. This variant has also been reported in ClinVar (Variation ID: 1453113) and has been interpreted as pathogenic by Invitae. This nonsense variant leads to a premature termination codon at position 7782, which is predicted to lead to a truncated or absent protein. Loss of function of the NEB gene is an established disease mechanism in autosomal recessive nemaline myopathy. In summary, although additional studies are required to fully establish its clinical significance, this variant is likely pathogenic for autosomal recessive nemaline myopathy. ACMG/AMP Criteria applied: PVS1, PM2_supporting (Richards 2015).

Labcorp Genetics (formerly Invitae), Labcorp
Classification: Pathogenic for Nemaline myopathy 2. Last evaluated: 2021-02-03. Review status: criteria provided, single submitter. Criteria: Invitae Variant Classification Sherloc (09022015). Collection method: clinical testing. Allele origin: germline.
Comment: For these reasons, this variant has been classified as Pathogenic. This variant has not been reported in the literature in individuals with NEB-related conditions. This variant is not present in population databases (ExAC no frequency). This sequence change creates a premature translational stop signal (p.Gln7817*) in the NEB gene. It is expected to result in an absent or disrupted protein product. Loss-of-function variants in NEB are known to be pathogenic (PMID: 25205138).

Literature cited by the submitters: PubMed 25205138 (cited by Labcorp Genetics (formerly Invitae), Labcorp).

NM_001164508.2(NEB):c.23344C>T (p.Gln7782Ter)

Genes: NEB (nebulin; minus strand), RIF1 (replication timing regulatory factor 1; plus strand). Cytogenetic location: 2q23.3.
Variant type: single nucleotide variant.
Coding change: c.23344C>T on transcript NM_001164508.2 (MANE Select); coding-DNA position 23344, C replaced by T.
Protein change: p.Gln7782Ter; replaces glutamine 7782 with a stop codon.
Molecular consequence: nonsense.
Genome position (GRCh38, 1-based): chr2:151,512,735, G>A on the plus strand (C>T on the coding strand, the complement: NEB is on the minus strand). VCF-style: chr2-151512735-G-A. GRCh37 (hg19) VCF-style: chr2-152369249-G-A.
Other names: NM_001164508.2(NEB):c.23344C>T; p.Gln7782Ter; c.23344C>T, p.Gln7782Ter (NM_001164507.2); c.23449C>T, p.Gln7817Ter (NM_001271208.2); c.18241C>T, p.Gln6081Ter (NM_004543.5); short protein forms Q7817*, Q7782*, Q6081*.
Identifiers: ClinVar variation 1453113 (VCV001453113.7), dbSNP rs2153272667, ClinGen allele CA348749659.